The following is an entry in ClinVar:

ClinVar aggregate classification (germline): Benign/Likely benign. Review status: criteria provided, multiple submitters, no conflicts (2 of 4 stars). 3 submissions from 3 submitters: Benign (2); Likely benign (1). Last evaluated 2022-12-01.

Allele frequency attached by ClinVar (database versions not stated): 1000 Genomes Project 30x 0.00250; 1000 Genomes Project 0.00260; TOPMed 0.00283; ESP Exome Variant Server 0.00300.
gnomAD v4.1: 6,425 of 1,614,086 alleles (0.4%); highest among the groups gnomAD compares: South Asian, 0.5%; 22 homozygotes.

Submissions (3):

CeGaT Center for Human Genetics Tuebingen
Classification: Likely benign. Last evaluated: 2022-12-01. Review status: criteria provided, single submitter. Criteria: CeGaT Center For Human Genetics Tuebingen Variant Classification Criteria Version 2. Collection method: clinical testing. Allele origin: germline. Affected: yes. Observed: 2 variant alleles.
Comment: ATP10A: BP4, BP7, BS2

Labcorp Genetics (formerly Invitae), Labcorp
Classification: Benign. Last evaluated: 2019-12-31. Review status: criteria provided, single submitter. Criteria: Invitae Variant Classification Sherloc (09022015). Collection method: clinical testing. Allele origin: germline.

Breakthrough Genomics
Classification: Benign. Review status: criteria provided, single submitter. Criteria: ACMG Guidelines, 2015. Collection method: not provided. Allele origin: germline. Inheritance: Unknown mechanism. Affected: yes.

NM_024490.4(ATP10A):c.3750G>T (p.Ala1250=)

Gene: ATP10A (ATPase phospholipid transporting 10A (putative); minus strand). Cytogenetic location: 15q12.
Variant type: single nucleotide variant.
Coding change: c.3750G>T on transcript NM_024490.4 (MANE Select); coding-DNA position 3750, G replaced by T.
Protein change: p.Ala1250=; no amino-acid change (alanine 1250 retained).
Molecular consequence: synonymous variant.
Genome position (GRCh38, 1-based): chr15:25,680,237, C>A on the plus strand (G>T on the coding strand, the complement: ATP10A is on the minus strand). VCF-style: chr15-25680237-C-A. GRCh37 (hg19) VCF-style: chr15-25925384-C-A.
Identifiers: ClinVar variation 715937 (VCV000715937.29), dbSNP rs149423703, ClinGen allele CA7435992.